The following is an entry in ClinVar:

NM_153717.3(EVC):c.1454A>C (p.Lys485Thr)

Gene: EVC (EvC ciliary complex subunit 1; plus strand). Cytogenetic location: 4p16.2.
Variant type: single nucleotide variant.
Coding change: c.1454A>C on transcript NM_153717.3 (MANE Select); coding-DNA position 1454, A replaced by C.
Protein change: p.Lys485Thr; replaces lysine 485 with threonine.
Molecular consequence: missense variant.
Genome position (GRCh38, 1-based): chr4:5,753,923, A>C. VCF-style: chr4-5753923-A-C. GRCh37 (hg19) VCF-style: chr4-5755650-A-C.
Other names: c.1454A>C, p.Lys485Thr (NM_001306090.2, NM_001306092.2); short protein forms K485T.
Identifiers: ClinVar variation 2945951 (VCV002945951.3), dbSNP rs2475426865, ClinGen allele CA356156341.

ClinVar aggregate classification (germline): Uncertain significance (1 of 4 stars; one submission).

Conditions:
Curry-Hall syndrome (WAD). Also called: WEYERS ACRODENTAL DYSOSTOSIS. Identifiers: Orphanet 952, MedGen C0457013, MONDO:0008673, OMIM 193530.
Ellis-van Creveld syndrome (EVC). Also called: EVC-Related Ellis-van Creveld Syndrome; EVC2-Related Ellis-van Creveld Syndrome; MESOECTODERMAL DYSPLASIA; Chondroectodermal dysplasia. Identifiers: Orphanet 289, MedGen C0013903, MONDO:0009162, OMIM 225500.

Submission:

Labcorp Genetics (formerly Invitae), Labcorp
Classification: Uncertain significance for Curry-Hall syndrome; Ellis-van Creveld syndrome. Last evaluated: 2023-10-03. Review status: criteria provided, single submitter. Criteria: Invitae Variant Classification Sherloc (09022015). Collection method: clinical testing. Allele origin: germline.
Comment: This sequence change replaces lysine, which is basic and polar, with threonine, which is neutral and polar, at codon 485 of the EVC protein (p.Lys485Thr). This variant is not present in population databases (gnomAD no frequency). This variant has not been reported in the literature in individuals affected with EVC-related conditions. Advanced modeling of protein sequence and biophysical properties (such as structural, functional, and spatial information, amino acid conservation, physicochemical variation, residue mobility, and thermodynamic stability) performed at Invitae indicates that this missense variant is not expected to disrupt EVC protein function. In summary, the available evidence is currently insufficient to determine the role of this variant in disease. Therefore, it has been classified as a Variant of Uncertain Significance.